The following is an entry in ClinVar:

ClinVar aggregate classification (germline): Uncertain significance (1 of 4 stars; one submission).

Submission:

Labcorp Genetics (formerly Invitae), Labcorp
Classification: Uncertain significance. Last evaluated: 2025-01-06. Review status: criteria provided, single submitter. Criteria: Invitae Variant Classification Sherloc (09022015). Collection method: clinical testing. Allele origin: germline.
Comment: This sequence change replaces leucine, which is neutral and non-polar, with methionine, which is neutral and non-polar, at codon 71 of the ATP2C1 protein (p.Leu71Met). This variant is not present in population databases (gnomAD no frequency). This variant has not been reported in the literature in individuals affected with ATP2C1-related conditions. Invitae Evidence Modeling of protein sequence and biophysical properties (such as structural, functional, and spatial information, amino acid conservation, physicochemical variation, residue mobility, and thermodynamic stability) indicates that this missense variant is not expected to disrupt ATP2C1 protein function with a negative predictive value of 80%. In summary, the available evidence is currently insufficient to determine the role of this variant in disease. Therefore, it has been classified as a Variant of Uncertain Significance.

NM_001378687.1(ATP2C1):c.211C>A (p.Leu71Met)

Gene: ATP2C1 (ATPase secretory pathway Ca2+ transporting 1; plus strand). Cytogenetic location: 3q22.1.
Variant type: single nucleotide variant.
Coding change: c.211C>A on transcript NM_001378687.1 (MANE Select); coding-DNA position 211, C replaced by A.
Protein change: p.Leu71Met; replaces leucine 71 with methionine.
Molecular consequence: missense variant. On other transcripts: intron variant (1).
Genome position (GRCh38, 1-based): chr3:130,932,115, C>A. VCF-style: chr3-130932115-C-A. GRCh37 (hg19) VCF-style: chr3-130650959-C-A.
Other names: c.211C>A, p.Leu71Met (NM_001001485.3, NM_001001486.2, NM_001001487.2 and 5 more transcripts); c.313C>A, p.Leu105Met (NM_001199180.2, NM_001199181.3, NM_001378511.1); c.163C>A, p.Leu55Met (NM_001199183.2, NM_001199184.3, NM_001378514.1); c.219+1589C>A (NM_001199182.2); short protein forms L105M, L55M, L71M.
Identifiers: ClinVar variation 3657107 (VCV003657107.2).